The following is an entry in ClinVar:

NM_024642.5(GALNT12):c.348C>T (p.Arg116=)

Gene: GALNT12 (polypeptide N-acetylgalactosaminyltransferase 12; plus strand). Cytogenetic location: 9q22.33.
Variant type: single nucleotide variant.
Coding change: c.348C>T on transcript NM_024642.5 (MANE Select); coding-DNA position 348, C replaced by T.
Protein change: p.Arg116=; no amino-acid change (arginine 116 retained).
Molecular consequence: synonymous variant.
Genome position (GRCh38, 1-based): chr9:98,808,046, C>T. VCF-style: chr9-98808046-C-T. GRCh37 (hg19) VCF-style: chr9-101570328-C-T.
Identifiers: ClinVar variation 1731917 (VCV001731917.3), dbSNP rs1232913604, ClinGen allele CA466647655.
Genomic context (GRCh38, chr9:98,808,046, plus strand): 5'-GAGCGTGCGGCTGCACCAGATTAACATCTACCTCAGCGACCGCATCTCACTGCACCGCCG[C>T]CTGCCCGAGCGCTGGAACCCGCTGTGAGTGCACAGCTCTGGGGAGGAAGCCCGCCCTCAG-3'
Protein context (NP_078918.3, residues 106-126): YLSDRISLHR[Arg116=]LPERWNPLCK

ClinVar aggregate classification (germline): Benign/Likely benign. Review status: criteria provided, multiple submitters, no conflicts (2 of 4 stars). 2 submissions from 2 submitters: Benign (1); Likely benign (1). Last evaluated 2026-04-23.

Conditions:
Colorectal cancer, susceptibility to, 1. Also called: COLORECTAL ADENOMA AND CANCER, SUSCEPTIBILITY TO; COLORECTAL CANCER, SUSCEPTIBILITY TO, ON CHROMOSOME 9. Identifiers: MedGen C1837315, MONDO:0012132, OMIM 608812.

Allele frequency attached by ClinVar (database versions not stated): gnomAD exomes below 0.00001; gnomAD 0.00001; TOPMed below 0.00001.
gnomAD v4.1: 5 of 1,581,100 alleles (0.00032%); highest among the groups gnomAD compares: Non-Finnish European, 0.00034%; no homozygotes.

Submissions (2):

Myriad Genetics, Inc.
Classification: Benign for Colorectal cancer, susceptibility to, 1. Last evaluated: 2026-04-23. Review status: criteria provided, single submitter. Criteria: Myriad Autosomal Dominant, Autosomal Recessive and X-Linked Classification Criteria (2023). Collection method: clinical testing. Allele origin: unknown.
Comment: This variant is considered benign. This variant is a silent/synonymous amino acid change and it is not expected to impact splicing.

Ambry Genetics
Classification: Likely benign. Last evaluated: 2021-03-15. Review status: criteria provided, single submitter. Criteria: Ambry Variant Classification Scheme 2023. Collection method: clinical testing. Allele origin: germline.